The following is an entry in ClinVar:

ClinVar aggregate classification (germline): Uncertain significance. Review status: criteria provided, multiple submitters, no conflicts (2 of 4 stars). 2 submissions from 2 submitters: Uncertain significance (2). Last evaluated 2023-11-27.

Conditions:
Inborn genetic diseases. Identifiers: MedGen C0950123, MeSH D030342.

Allele frequency attached by ClinVar (database versions not stated): TOPMed 0.00001; ExAC 0.00003.
gnomAD v4.1: 3 of 1,574,970 alleles (0.00019%); highest among the groups gnomAD compares: East Asian, 0.0068%; no homozygotes.

Submissions (2):

Ambry Genetics
Classification: Uncertain significance for Inborn genetic diseases. Last evaluated: 2023-11-27. Review status: criteria provided, single submitter. Criteria: Ambry Variant Classification Scheme 2023. Collection method: clinical testing. Allele origin: germline.

Labcorp Genetics (formerly Invitae), Labcorp
Classification: Uncertain significance. Last evaluated: 2022-12-02. Review status: criteria provided, single submitter. Criteria: Invitae Variant Classification Sherloc (09022015). Collection method: clinical testing. Allele origin: germline.
Comment: This sequence change replaces valine, which is neutral and non-polar, with alanine, which is neutral and non-polar, at codon 212 of the PDSS2 protein (p.Val212Ala). This variant is present in population databases (rs762431733, gnomAD 0.03%). This variant has not been reported in the literature in individuals affected with PDSS2-related conditions. Advanced modeling of protein sequence and biophysical properties (such as structural, functional, and spatial information, amino acid conservation, physicochemical variation, residue mobility, and thermodynamic stability) performed at Invitae indicates that this missense variant is not expected to disrupt PDSS2 protein function. In summary, the available evidence is currently insufficient to determine the role of this variant in disease. Therefore, it has been classified as a Variant of Uncertain Significance.

NM_020381.4(PDSS2):c.635T>C (p.Val212Ala)

Gene: PDSS2 (decaprenyl diphosphate synthase subunit 2; minus strand). Cytogenetic location: 6q21.
Variant type: single nucleotide variant.
Coding change: c.635T>C on transcript NM_020381.4 (MANE Select); coding-DNA position 635, T replaced by C.
Protein change: p.Val212Ala; replaces valine 212 with alanine.
Molecular consequence: missense variant.
Genome position (GRCh38, 1-based): chr6:107,245,615, A>G on the plus strand (T>C on the coding strand, the complement: PDSS2 is on the minus strand). VCF-style: chr6-107245615-A-G. GRCh37 (hg19) VCF-style: chr6-107566819-A-G.
Other names: c.635T>C (NM_020381.3); short protein forms V212A.
Identifiers: ClinVar variation 2121367 (VCV002121367.5), dbSNP rs762431733, ClinGen allele CA3946058.